The following is an entry in ClinVar:

ClinVar aggregate classification (germline): Uncertain significance (1 of 4 stars; one submission).

Submission:

Labcorp Genetics (formerly Invitae), Labcorp
Classification: Uncertain significance. Last evaluated: 2024-05-08. Review status: criteria provided, single submitter. Criteria: Invitae Variant Classification Sherloc (09022015). Collection method: clinical testing. Allele origin: germline.
Comment: This sequence change replaces histidine, which is basic and polar, with glutamine, which is neutral and polar, at codon 459 of the LZTR1 protein (p.His459Gln). This variant is not present in population databases (gnomAD no frequency). This variant has not been reported in the literature in individuals affected with LZTR1-related conditions. ClinVar contains an entry for this variant (Variation ID: 1371671). Advanced modeling of protein sequence and biophysical properties (such as structural, functional, and spatial information, amino acid conservation, physicochemical variation, residue mobility, and thermodynamic stability) performed at Invitae indicates that this missense variant is not expected to disrupt LZTR1 protein function with a negative predictive value of 80%. In summary, the available evidence is currently insufficient to determine the role of this variant in disease. Therefore, it has been classified as a Variant of Uncertain Significance.

NM_006767.4(LZTR1):c.1377C>A (p.His459Gln)

Gene: LZTR1 (leucine zipper like post translational regulator 1; plus strand). Cytogenetic location: 22q11.21.
Variant type: single nucleotide variant.
Coding change: c.1377C>A on transcript NM_006767.4 (MANE Select); coding-DNA position 1377, C replaced by A.
Protein change: p.His459Gln; replaces histidine 459 with glutamine.
Molecular consequence: missense variant.
Genome position (GRCh38, 1-based): chr22:20,993,947, C>A. VCF-style: chr22-20993947-C-A. GRCh37 (hg19) VCF-style: chr22-21348236-C-A.
Other names: short protein forms H459Q.
Identifiers: ClinVar variation 1371671 (VCV001371671.8), dbSNP rs752985853, ClinGen allele CA410775074.